The following is an entry in ClinVar:

ClinVar aggregate classification (germline): Pathogenic (1 of 4 stars; one submission).

Conditions:
Retinal disorder. Also called: Retinopathy; Retinopathies; Retinal Diseases; Retinal disorders. Identifiers: MedGen C0035309, MONDO:0005283, HP:0000488.

Submission:

North West Genomic Laboratory Hub, Manchester University NHS Foundation Trust
Classification: Pathogenic for Retinal disorders. Last evaluated: 2026-04-16. Review status: criteria provided, single submitter. Criteria: ACGS Best Practice Guidelines for Variant Classification in Rare Disease 2024. Collection method: clinical testing. Allele origin: germline. Affected: yes.
Comment: PP4_Supp PVS1_VStr PM2_Mod

NM_032119.4(ADGRV1):c.6594_6625del (p.Glu2198fs)

Gene: ADGRV1 (adhesion G protein-coupled receptor V1; plus strand). Cytogenetic location: 5q14.3.
Variant type: Deletion.
Coding change: c.6594_6625del on transcript NM_032119.4 (MANE Select); coding-DNA positions 6594 to 6625, 32 bases deleted.
Protein change: p.Glu2198fs; shifts the reading frame from glutamic acid 2198.
Molecular consequence: frameshift variant. On other transcripts: non-coding transcript variant (1).
Genome position (GRCh38, 1-based): chr5:90,689,964-90,689,995, 32 bases deleted; deleting any 32 consecutive bases within chr5:90,689,963-90,689,995 gives the same sequence; the c. name uses the placement nearest the transcript's 3' end. GRCh37 (hg19): chr5:89,985,781-89,985,812.
Other names: short protein forms E2198fs.
Identifiers: ClinVar variation 5010129 (VCV005010129.1).